The following is an entry in ClinVar:

ClinVar aggregate classification (germline): Uncertain significance (1 of 4 stars; one submission).

Conditions:
Long QT syndrome (LQTS). Identifiers: MedGen C0023976, MeSH D008133, MONDO:0002442. Disease mechanism: loss of function. Inheritance: Various modes of inheritance.

gnomAD v4.1: 4 of 1,432,860 alleles (0.00028%); highest among the groups gnomAD compares: Non-Finnish European, 0.00036%; no homozygotes.

Submission:

Labcorp Genetics (formerly Invitae), Labcorp
Classification: Uncertain significance for Long QT syndrome. Last evaluated: 2024-01-02. Review status: criteria provided, single submitter. Criteria: Invitae Variant Classification Sherloc (09022015). Collection method: clinical testing. Allele origin: germline.
Comment: This sequence change replaces alanine, which is neutral and non-polar, with threonine, which is neutral and polar, at codon 188 of the KCNH2 protein (p.Ala188Thr). This variant is not present in population databases (gnomAD no frequency). This variant has not been reported in the literature in individuals affected with KCNH2-related conditions. ClinVar contains an entry for this variant (Variation ID: 1035380). Algorithms developed to predict the effect of missense changes on protein structure and function output the following: SIFT: "Not Available"; PolyPhen-2: "Benign"; Align-GVGD: "Not Available". The threonine amino acid residue is found in multiple mammalian species, which suggests that this missense change does not adversely affect protein function. In summary, the available evidence is currently insufficient to determine the role of this variant in disease. Therefore, it has been classified as a Variant of Uncertain Significance.

NM_000238.4(KCNH2):c.562G>A (p.Ala188Thr)

Gene: KCNH2 (potassium voltage-gated channel subfamily H member 2; minus strand). Cytogenetic location: 7q36.1.
Variant type: single nucleotide variant.
Coding change: c.562G>A on transcript NM_000238.4 (MANE Select); coding-DNA position 562, G replaced by A.
Protein change: p.Ala188Thr; replaces alanine 188 with threonine.
Molecular consequence: missense variant.
Genome position (GRCh38, 1-based): chr7:150,958,413, C>T on the plus strand (G>A on the coding strand, the complement: KCNH2 is on the minus strand). VCF-style: chr7-150958413-C-T. GRCh37 (hg19) VCF-style: chr7-150655501-C-T.
Other names: c.274G>A, p.Ala92Thr (NM_001406753.1, NM_001406756.1); c.385G>A, p.Ala129Thr (NM_001406755.1); c.262G>A, p.Ala88Thr (NM_001406757.1); c.562G>A, p.Ala188Thr (NM_172056.3); short protein forms A188T, A92T, A129T, A88T.
Identifiers: ClinVar variation 1035380 (VCV001035380.10), dbSNP rs1273532552, ClinGen allele CA369863303.
Genomic context (GRCh38, chr7:150,958,413, plus strand): 5'-CGCTGCTGGGTGCCGCGGGCGTCAGGTCCACGTCCACCACCACGGCCCCCGGGGCGCCCG[C>T]GCCGCCCGCGCCGCCCGACCGCACCGACGACTCCCGGGCCGTCAGCGCCAGCAGCGCGGG-3'
Protein context (NP_000229.1, residues 178-198): SSVRSGGAGG[Ala188Thr]GAPGAVVVDV